The following is an entry in ClinVar:

NM_000206.3(IL2RG):c.523A>C (p.Asn175His)

Gene: IL2RG (interleukin 2 receptor subunit gamma; minus strand). Cytogenetic location: Xq13.1.
Variant type: single nucleotide variant.
Coding change: c.523A>C on transcript NM_000206.3 (MANE Select); coding-DNA position 523, A replaced by C.
Protein change: p.Asn175His; replaces asparagine 175 with histidine.
Molecular consequence: missense variant.
Genome position (GRCh38, 1-based): chrX:71,110,227, T>G on the plus strand (A>C on the coding strand, the complement: IL2RG is on the minus strand). VCF-style: chrX-71110227-T-G. GRCh37 (hg19) VCF-style: chrX-70330077-T-G.
Other names: short protein forms N175H.
Identifiers: ClinVar variation 3673161 (VCV003673161.2).
Genomic context (GRCh38, chrX:71,110,227, plus strand): 5'-GGTCCCAGTCAGTCCGGTACTGCACCAAGTGCTCCAAACAGTGGTTCAAGAATCTGTTGT[T>G]CCAGTTCAGTTCTAGCTGGGATTCACTCAGTTTGTGAAGTGTTAGGTTCTCTGGAGCCCA-3'
Protein context (NP_000197.1, residues 165-185): LSESQLELNW[Asn175His]NRFLNHCLEH

ClinVar aggregate classification (germline): Uncertain significance (1 of 4 stars; one submission).

Conditions:
X-linked severe combined immunodeficiency (SCIDX1). Also called: IMMUNODEFICIENCY 4; SCID, X-LINKED; SEVERE COMBINED IMMUNODEFICIENCY, X-LINKED, T CELL-NEGATIVE, B CELL-POSITIVE, NK CELL-NEGATIVE; X-Linked Combined Immunodeficiency Diseases; T-B+ severe combined immunodeficiency due to gamma chain deficiency. Identifiers: Orphanet 276, MedGen C6022468, MONDO:0010315, OMIM 300400. Disease mechanism: loss of function.

Submission:

Labcorp Genetics (formerly Invitae), Labcorp
Classification: Uncertain significance for X-linked severe combined immunodeficiency. Last evaluated: 2024-06-20. Review status: criteria provided, single submitter. Criteria: Invitae Variant Classification Sherloc (09022015). Collection method: clinical testing. Allele origin: germline.
Comment: This sequence change replaces asparagine, which is neutral and polar, with histidine, which is basic and polar, at codon 175 of the IL2RG protein (p.Asn175His). This variant is not present in population databases (gnomAD no frequency). This variant has not been reported in the literature in individuals affected with IL2RG-related conditions. Advanced modeling of protein sequence and biophysical properties (such as structural, functional, and spatial information, amino acid conservation, physicochemical variation, residue mobility, and thermodynamic stability) performed at Invitae indicates that this missense variant is not expected to disrupt IL2RG protein function with a negative predictive value of 80%. Algorithms developed to predict the effect of sequence changes on RNA splicing suggest that this variant may disrupt the consensus splice site. In summary, the available evidence is currently insufficient to determine the role of this variant in disease. Therefore, it has been classified as a Variant of Uncertain Significance.